The following is an entry in ClinVar:

NM_005797.4(MPZL2):c.58+1G>A

Genes: MPZL2 (myelin protein zero like 2; minus strand), LOC130006841 (ATAC-STARR-seq lymphoblastoid active region 5587; plus strand). Cytogenetic location: 11q23.3.
Variant type: single nucleotide variant.
Coding change: c.58+1G>A on transcript NM_005797.4 (MANE Select); the canonical splice donor site of the intron after coding-DNA position 58, G replaced by A.
Molecular consequence: splice donor variant.
Genome position (GRCh38, 1-based): chr11:118,264,095, C>T on the plus strand (G>A on the coding strand, the complement: MPZL2 is on the minus strand). VCF-style: chr11-118264095-C-T. GRCh37 (hg19) VCF-style: chr11-118134810-C-T.
Other names: c.58+1G>A (NM_144765.3).
Identifiers: ClinVar variation 3899334 (VCV003899334.2).

ClinVar aggregate classification (germline): Likely pathogenic (1 of 4 stars; one submission).

Conditions:
Hearing loss, autosomal recessive 111. Also called: DEAFNESS, AUTOSOMAL RECESSIVE 111. Identifiers: MedGen C4748374, MONDO:0029142, OMIM 618145.

gnomAD v4.1: 7 of 1,613,920 alleles (0.00043%); highest among the groups gnomAD compares: East Asian, 0.013%; no homozygotes.

Submission:

Juno Genomics, Hangzhou Juno Genomics, Inc
Classification: Likely pathogenic for Hearing loss, autosomal recessive 111. Review status: criteria provided, single submitter. Criteria: ACMG Guidelines, 2015. Collection method: clinical testing. Allele origin: germline. Affected: yes.
Comment: Absent from controls (or at extremely low frequency if recessive) in Genome Aggregation Database, Exome Sequencing Project, 1000 Genomes Project, or Exome Aggregation Consortium.;Null variant in a gene where loss of function (LOF) is a known mechanism of disease.